The following is an entry in ClinVar:

ClinVar aggregate classification (germline): Uncertain significance. Review status: criteria provided, multiple submitters, no conflicts (2 of 4 stars). 2 submissions from 2 submitters: Uncertain significance (2). Last evaluated 2025-08-07.

Allele frequency attached by ClinVar (database versions not stated): gnomAD exomes below 0.00001; TOPMed 0.00001.
gnomAD v4.1: 1 of 1,614,150 alleles (0.000062%); highest among the groups gnomAD compares: Non-Finnish European, 0.000085%; no homozygotes.

Submissions (2):

GeneDx
Classification: Uncertain significance. Last evaluated: 2025-08-07. Review status: criteria provided, single submitter. Criteria: GeneDx Variant Classification Process June 2021. Collection method: clinical testing. Allele origin: germline.
Comment: Not observed at significant frequency in large population cohorts (gnomAD); In silico analysis supports that this missense variant has a deleterious effect on protein structure/function; Missense variants in this gene are a common cause of disease and they are underrepresented in the general population; Has not been previously published as pathogenic or benign to our knowledge; This variant is associated with the following publications: (PMID: 20829227)

Women's Health and Genetics/Laboratory Corporation of America, LabCorp
Classification: Uncertain significance. Last evaluated: 2023-01-16. Review status: criteria provided, single submitter. Criteria: LabCorp Variant Classification Summary - May 2015. Collection method: clinical testing. Allele origin: germline.
Comment: Variant summary: TUBB3 c.467G>A (p.Arg156His) results in a non-conservative amino acid change located in the Tubulin/FtsZ, GTPase domain (IPR003008) of the encoded protein sequence. Four of five in-silico tools predict a damaging effect of the variant on protein function. The variant was absent in 251442 control chromosomes (gnomAD). The available data on variant occurrences in the general population are insufficient to allow any conclusion about variant significance. To our knowledge, no occurrence of c.467G>A in individuals affected with Cortical Dysplasia, Complex, With Other Brain Malformations 1 and no experimental evidence demonstrating its impact on protein function have been reported. No clinical diagnostic laboratories have submitted clinical-significance assessments for this variant to ClinVar after 2014. Based on the evidence outlined above, the variant was classified as uncertain significance.

NM_006086.4(TUBB3):c.467G>A (p.Arg156His)

Gene: TUBB3 (tubulin beta 3 class III; plus strand). Cytogenetic location: 16q24.3.
Variant type: single nucleotide variant.
Coding change: c.467G>A on transcript NM_006086.4 (MANE Select); coding-DNA position 467, G replaced by A.
Protein change: p.Arg156His; replaces arginine 156 with histidine.
Molecular consequence: missense variant.
Genome position (GRCh38, 1-based): chr16:89,934,918, G>A. VCF-style: chr16-89934918-G-A. GRCh37 (hg19) VCF-style: chr16-90001326-G-A.
Other names: c.251G>A, p.Arg84His (NM_001197181.2); short protein forms R156H, R84H.
Identifiers: ClinVar variation 2429216 (VCV002429216.4), dbSNP rs941774548, ClinGen allele CA286618927.